The following is an entry in ClinVar:

NM_032229.3(SLITRK6):c.2099T>C (p.Leu700Pro)

Gene: SLITRK6 (SLIT and NTRK like family member 6; minus strand). Cytogenetic location: 13q31.1.
Variant type: single nucleotide variant.
Coding change: c.2099T>C on transcript NM_032229.3 (MANE Select); coding-DNA position 2099, T replaced by C.
Protein change: p.Leu700Pro; replaces leucine 700 with proline.
Molecular consequence: missense variant.
Genome position (GRCh38, 1-based): chr13:85,794,410, A>G on the plus strand (T>C on the coding strand, the complement: SLITRK6 is on the minus strand). VCF-style: chr13-85794410-A-G. GRCh37 (hg19) VCF-style: chr13-86368545-A-G.
Other names: c.2099T>C (NM_032229.2); short protein forms L700P.
Identifiers: ClinVar variation 1443801 (VCV001443801.9), dbSNP rs759704130, ClinGen allele CA7014964.

ClinVar aggregate classification (germline): Uncertain significance. Review status: criteria provided, multiple submitters, no conflicts (2 of 4 stars). 3 submissions from 3 submitters: Uncertain significance (3). Last evaluated 2025-04-28.

Conditions:
Inborn genetic diseases. Identifiers: MedGen C0950123, MeSH D030342.

Allele frequency attached by ClinVar (database versions not stated): gnomAD exomes 0.00003 and 0.00008; gnomAD 0.00004; ExAC 0.00005; TOPMed 0.00005.

Submissions (3):

GeneDx
Classification: Uncertain significance. Last evaluated: 2025-04-28. Review status: criteria provided, single submitter. Criteria: GeneDx Variant Classification Process June 2021. Collection method: clinical testing. Allele origin: germline. Affected: yes.
Comment: Not observed at significant frequency in large population cohorts (gnomAD); In silico analysis indicates that this missense variant does not alter protein structure/function; Has not been previously published as pathogenic or benign to our knowledge

Labcorp Genetics (formerly Invitae), Labcorp
Classification: Uncertain significance. Last evaluated: 2024-11-05. Review status: criteria provided, single submitter. Criteria: Invitae Variant Classification Sherloc (09022015). Collection method: clinical testing. Allele origin: germline.
Comment: This sequence change replaces leucine, which is neutral and non-polar, with proline, which is neutral and non-polar, at codon 700 of the SLITRK6 protein (p.Leu700Pro). This variant is present in population databases (rs759704130, gnomAD 0.006%). This variant has not been reported in the literature in individuals affected with SLITRK6-related conditions. ClinVar contains an entry for this variant (Variation ID: 1443801). An algorithm developed to predict the effect of missense changes on protein structure and function (PolyPhen-2) suggests that this variant¬†is likely to be tolerated. In summary, the available evidence is currently insufficient to determine the role of this variant in disease. Therefore, it has been classified as a Variant of Uncertain Significance.

Ambry Genetics
Classification: Uncertain significance for Inborn genetic diseases. Last evaluated: 2023-08-20. Review status: criteria provided, single submitter. Criteria: Ambry Variant Classification Scheme 2023. Collection method: clinical testing. Allele origin: germline.